The following is an entry in ClinVar:

NC_000023.10:g.(?_22244540)_(22266301_?)del

Gene: PHEX (phosphate regulating endopeptidase X-linked; plus strand). Cytogenetic location: Xp22.11.
Variant type: Deletion.
Identifiers: ClinVar variation 3246022 (VCV003246022.1).

ClinVar aggregate classification (germline): Pathogenic (1 of 4 stars; one submission).

Submission:

Labcorp Genetics (formerly Invitae), Labcorp
Classification: Pathogenic. Last evaluated: 2023-03-27. Review status: criteria provided, single submitter. Criteria: Invitae Variant Classification Sherloc (09022015). Collection method: clinical testing. Allele origin: unknown.
Comment: This variant is a gross deletion of the genomic region encompassing exon(s) 19-22 of the PHEX gene, which includes the termination codon. This deletion extends beyond the assayed region for this gene and therefore may encompass additional genes. While this deletion is not anticipated to lead to nonsense mediated decay, it is expected to alter mRNA translation or result in a truncated protein product. For these reasons, this variant has been classified as Pathogenic. This variant disrupts a region of the PHEX protein in which other variant(s) (p.Arg747*) have been determined to be pathogenic (PMID: 9199930, 9768674). This suggests that this is a clinically significant region of the protein, and that variants that disrupt it are likely to be disease-causing. A similar copy number variant has been observed in individual(s) with X-linked hypophosphatemia (PMID: 9199930).

Literature cited by the submitters: PubMed 9199930; PubMed 9768674.